The following is an entry in ClinVar:

NM_005378.6(MYCN):c.964C>T (p.Arg322Ter)

Gene: MYCN (MYCN proto-oncogene, bHLH transcription factor; plus strand). Cytogenetic location: 2p24.3.
Variant type: single nucleotide variant.
Coding change: c.964C>T on transcript NM_005378.6 (MANE Select); coding-DNA position 964, C replaced by T.
Protein change: p.Arg322Ter; replaces arginine 322 with a stop codon.
Molecular consequence: nonsense. On other transcripts: 3 prime UTR variant (1).
Genome position (GRCh38, 1-based): chr2:15,945,666, C>T. VCF-style: chr2-15945666-C-T. GRCh37 (hg19) VCF-style: chr2-16085788-C-T.
Other names: c.964C>T, p.Arg322Ter (NM_001293228.2); c.331C>T, p.Arg111Ter (NM_001293231.2); c.*899C>T (NM_001293233.2); short protein forms R322*, R111*.
Identifiers: ClinVar variation 433151 (VCV000433151.6), dbSNP rs759103701, ClinGen allele CA345931974.
Genomic context (GRCh38, chr2:15,945,666, plus strand): 5'-CGTCCCAAGAACGCAGCCCTGGGTCCCGGGAGGGCTCAGTCCAGCGAGCTGATCCTCAAA[C>T]GATGCCTTCCCATCCACCAGCAGCACAACTATGCCGCCCCCTCTCCCTACGTGGAGAGTG-3'

ClinVar aggregate classification (germline): Pathogenic. Review status: criteria provided, multiple submitters, no conflicts (2 of 4 stars). 3 submissions from 3 submitters: Pathogenic (2). 1 of the submissions does not count toward it. Last evaluated 2024-03-07.

Conditions:
Feingold syndrome type 1 (FGLDS1). Also called: MICROCEPHALY, MENTAL RETARDATION, AND TRACHEOESOPHAGEAL FISTULA SYNDROME; MICROCEPHALY-OCULO-DIGITO-ESOPHAGEAL-DUODENAL SYNDROME; OCULODIGITOESOPHAGODUODENAL SYNDROME; ODED SYNDROME; MICROCEPHALY AND DIGITAL ABNORMALITIES WITH NORMAL INTELLIGENCE. Identifiers: Orphanet 1305, Orphanet 391641, MedGen C4551774, MONDO:0008115, OMIM 164280.

Submissions (3):

GeneDx
Classification: Pathogenic. Last evaluated: 2024-03-07. Review status: criteria provided, single submitter. Criteria: GeneDx Variant Classification Process June 2021. Collection method: clinical testing. Allele origin: germline. Affected: yes.
Comment: Nonsense variant predicted to result in protein truncation, as the last 143 amino acids are lost, and other loss-of-function variants have been reported downstream in HGMD; Not observed at significant frequency in large population cohorts (gnomAD); This variant is associated with the following publications: (PMID: 18470948, 15821734, 35583390, 30476936)

Molecular Diagnostics Lab, Nemours Children's Health, Delaware
Classification: Pathogenic for Feingold syndrome type 1. Last evaluated: 2016-01-12. Review status: criteria provided, single submitter. Criteria: ACMG Guidelines, 2015. Collection method: clinical testing. Allele origin: unknown. Affected: yes. Observed: 1 heterozygote.

GeneReviews
No classification provided. Condition: Feingold syndrome type 1. Review status: no classification provided. Collection method: literature only. Allele origin: germline. Not counted in ClinVar's aggregate classification.

Literature cited by the submitters: PubMed 15821734 (cited by Molecular Diagnostics Lab, Nemours Children's Health, Delaware); PubMed 18470948 (cited by GeneReviews); PubMed 20301770 (cited by GeneReviews).